The following is an entry in ClinVar:

NM_016203.4(PRKAG2):c.-5_1del (p.Met1del)

Gene: PRKAG2 (protein kinase AMP-activated non-catalytic subunit gamma 2; minus strand). Cytogenetic location: 7q36.1.
Variant type: Deletion.
Coding change: c.-5_1del on transcript NM_016203.4 (MANE Select); 5 bases upstream of the start codon through coding-DNA position 1, 6 bases deleted (GAGTTA; older notation c.-5_1delGAGTTA).
Protein change: p.Met1del; deletes methionine 1.
Molecular consequence: inframe deletion, initiator codon variant.
Genome position (GRCh38, 1-based): chr7:151,876,620-151,876,625, TAACTC deleted on the plus strand (GAGTTA on the coding strand, the reverse complement: PRKAG2 is on the minus strand); deleting any 6 consecutive bases within chr7:151,876,620-151,876,629 gives the same sequence; the c. name uses the placement nearest the transcript's 3' end. VCF-style (leftmost placement, unchanged base first): chr7-151876619-ATAACTC-A. GRCh37 (hg19) VCF-style: chr7-151573704-ATAACTC-A.
Other names: c.-5_1del, p.Met1del (NM_001407021.1, NM_001407022.1, NM_001407023.1 and 2 more transcripts); short protein forms M1del.
Identifiers: ClinVar variation 3073282 (VCV003073282.1), dbSNP rs2485880173, ClinGen allele CA2825001563.

ClinVar aggregate classification (germline): Uncertain significance (1 of 4 stars; one submission).

Conditions:
Hypertrophic cardiomyopathy. Also called: HYPERTROPHIC MYOCARDIOPATHY. Identifiers: Orphanet 217569, MedGen C0007194, MeSH D002312, MONDO:0005045, HP:0001639.

Submission:

All of Us Research Program, National Institutes of Health
Classification: Uncertain significance for Hypertrophic cardiomyopathy. Last evaluated: 2023-09-04. Review status: criteria provided, single submitter. Criteria: ACMG Guidelines, 2015. Collection method: clinical testing. Allele origin: germline. Inheritance: Autosomal dominant inheritance. Observed: 1 variant allele, 1 heterozygote.
Comment: This variant is deletes 6 nucleotides in the 5' untranslated region of the PRKAG2 gene, and variant alters the translation initiation codon methionine at codon 1. This variant is expected to disrupt translation initiation and result in an absent or truncated protein product. To our knowledge, functional studies have not been reported for this variant. This variant has not been reported in individuals affected with PRKAG2-related disorders in the literature. This variant has not been identified in the general population by the Genome Aggregation Database (gnomAD). Clinical relevance of loss-of-function PRKAG2 truncation variants in autosomal dominant cardiovascular disorders is not clearly established. The available evidence is insufficient to determine the role of this variant in disease conclusively. Therefore, this variant is classified as a Variant of Uncertain Significance.

This study involves interpretation of variants in research participants for the purpose of population health screening. Participant phenotype was not available at the time of variant classification. Additional details can be found in publication PMID: 35346344, PMCID: PMC8962531